The following is an entry in ClinVar:

ClinVar aggregate classification (germline): Uncertain significance (1 of 4 stars; one submission).

Conditions:
Legius syndrome. Identifiers: Orphanet 137605, MedGen C1969623, MONDO:0012669, OMIM 611431. Disease mechanism: loss of function.

Submission:

Labcorp Genetics (formerly Invitae), Labcorp
Classification: Uncertain significance for Legius syndrome. Last evaluated: 2025-04-19. Review status: criteria provided, single submitter. Criteria: Invitae Variant Classification Sherloc (09022015). Collection method: clinical testing. Allele origin: germline.
Comment: This sequence change replaces threonine, which is neutral and polar, with alanine, which is neutral and non-polar, at codon 43 of the SPRED1 protein (p.Thr43Ala). This variant is not present in population databases (gnomAD no frequency). This variant has not been reported in the literature in individuals affected with SPRED1-related conditions. Invitae Evidence Modeling of protein sequence and biophysical properties (such as structural, functional, and spatial information, amino acid conservation, physicochemical variation, residue mobility, and thermodynamic stability) indicates that this missense variant is not expected to disrupt SPRED1 protein function with a negative predictive value of 80%. In summary, the available evidence is currently insufficient to determine the role of this variant in disease. Therefore, it has been classified as a Variant of Uncertain Significance.

NM_152594.3(SPRED1):c.127A>G (p.Thr43Ala)

Gene: SPRED1 (sprouty related EVH1 domain containing 1; plus strand). Cytogenetic location: 15q14.
Variant type: single nucleotide variant.
Coding change: c.127A>G on transcript NM_152594.3 (MANE Select); coding-DNA position 127, A replaced by G.
Protein change: p.Thr43Ala; replaces threonine 43 with alanine.
Molecular consequence: missense variant.
Genome position (GRCh38, 1-based): chr15:38,299,467, A>G. VCF-style: chr15-38299467-A-G. GRCh37 (hg19) VCF-style: chr15-38591668-A-G.
Other names: short protein forms T43A.
Identifiers: ClinVar variation 4737279 (VCV004737279.1).